The following is an entry in ClinVar:

ClinVar aggregate classification (germline): Uncertain significance. Review status: criteria provided, multiple submitters, no conflicts (2 of 4 stars). 2 submissions from 2 submitters: Uncertain significance (2). Last evaluated 2025-08-13.

Conditions:
Hereditary cancer-predisposing syndrome. Also called: Neoplastic Syndromes, Hereditary; Hereditary Cancer Syndrome; Tumor predisposition; Hereditary neoplastic syndrome. Identifiers: Orphanet 140162, MedGen C0027672, MeSH D009386, MONDO:0015356.
Tumor predisposition syndrome 3 (TPDS3). Also called: Glioma susceptibility 9; LONG TELOMERE SYNDROME, POT1-RELATED; POT1 Tumor Predisposition; Melanoma, cutaneous malignant, susceptibility to, 10. Identifiers: Orphanet 618, MedGen C4014476, MONDO:0014368, OMIM 615848.

Submissions (2):

Labcorp Genetics (formerly Invitae), Labcorp
Classification: Uncertain significance for Tumor predisposition syndrome 3. Last evaluated: 2025-08-13. Review status: criteria provided, single submitter. Criteria: Invitae Variant Classification Sherloc (09022015). Collection method: clinical testing. Allele origin: germline.
Comment: This sequence change replaces serine, which is neutral and polar, with glycine, which is neutral and non-polar, at codon 314 of the POT1 protein (p.Ser314Gly). This variant is not present in population databases (gnomAD no frequency). This variant has not been reported in the literature in individuals affected with POT1-related conditions. ClinVar contains an entry for this variant (Variation ID: 2565263). Invitae Evidence Modeling of protein sequence and biophysical properties (such as structural, functional, and spatial information, amino acid conservation, physicochemical variation, residue mobility, and thermodynamic stability) indicates that this missense variant is not expected to disrupt POT1 protein function with a negative predictive value of 80%. In summary, the available evidence is currently insufficient to determine the role of this variant in disease. Therefore, it has been classified as a Variant of Uncertain Significance.

Ambry Genetics
Classification: Uncertain significance for Hereditary cancer-predisposing syndrome. Last evaluated: 2023-05-25. Review status: criteria provided, single submitter. Criteria: Ambry Variant Classification Scheme 2023. Collection method: clinical testing. Allele origin: germline.
Comment: The p.S314G variant (also known as c.940A>G), located in coding exon 7 of the POT1 gene, results from an A to G substitution at nucleotide position 940. The serine at codon 314 is replaced by glycine, an amino acid with similar properties. This amino acid position is conserved. In addition, this alteration is predicted to be tolerated by in silico analysis. Since supporting evidence is limited at this time, the clinical significance of this alteration remains unclear.

NM_015450.3(POT1):c.940A>G (p.Ser314Gly)

Gene: POT1 (protection of telomeres 1; minus strand). Cytogenetic location: 7q31.33.
Variant type: single nucleotide variant.
Coding change: c.940A>G on transcript NM_015450.3 (MANE Select); coding-DNA position 940, A replaced by G.
Protein change: p.Ser314Gly; replaces serine 314 with glycine.
Molecular consequence: missense variant. On other transcripts: non-coding transcript variant (3).
Genome position (GRCh38, 1-based): chr7:124,851,881, T>C on the plus strand (A>G on the coding strand, the complement: POT1 is on the minus strand). VCF-style: chr7-124851881-T-C. GRCh37 (hg19) VCF-style: chr7-124491935-T-C.
Other names: c.547A>G, p.Ser183Gly (NM_001042594.2); short protein forms S183G, S314G.
Identifiers: ClinVar variation 2565263 (VCV002565263.5), dbSNP rs2485436842, ClinGen allele CA369054273.
Genomic context (GRCh38, chr7:124,851,881, plus strand): 5'-ACTATTTTATTTAGCAAGAACTAAACTGTCAATGTTAAAGATTATCCTTACTTGGAAAGC[T>C]GTCGTCAGGTTCTGATTGACAGATAACATCTGAATGCTGATTGGCTGTCAAATTTGCAGA-3'
Protein context (NP_056265.2, residues 304-324): DVICQSEPDD[Ser314Gly]FPSSGSVSLY